The following is an entry in ClinVar:

ClinVar aggregate classification (germline): Uncertain significance (1 of 4 stars; one submission).

Submission:

Labcorp Genetics (formerly Invitae), Labcorp
Classification: Uncertain significance. Last evaluated: 2024-12-26. Review status: criteria provided, single submitter. Criteria: Invitae Variant Classification Sherloc (09022015). Collection method: clinical testing. Allele origin: germline.
Comment: This sequence change replaces alanine, which is neutral and non-polar, with threonine, which is neutral and polar, at codon 1530 of the MAST1 protein (p.Ala1530Thr). This variant is not present in population databases (gnomAD no frequency). This variant has not been reported in the literature in individuals affected with MAST1-related conditions. An algorithm developed to predict the effect of missense changes on protein structure and function outputs the following: PolyPhen-2: "Benign". The threonine amino acid residue is found in multiple mammalian species, which suggests that this missense change does not adversely affect protein function. In summary, the available evidence is currently insufficient to determine the role of this variant in disease. Therefore, it has been classified as a Variant of Uncertain Significance.

NM_014975.3(MAST1):c.4588G>A (p.Ala1530Thr)

Gene: MAST1 (microtubule associated serine/threonine kinase 1; plus strand). Cytogenetic location: 19p13.13.
Variant type: single nucleotide variant.
Coding change: c.4588G>A on transcript NM_014975.3 (MANE Select); coding-DNA position 4588, G replaced by A.
Protein change: p.Ala1530Thr; replaces alanine 1530 with threonine.
Molecular consequence: missense variant.
Genome position (GRCh38, 1-based): chr19:12,874,745, G>A. VCF-style: chr19-12874745-G-A. GRCh37 (hg19) VCF-style: chr19-12985559-G-A.
Other names: short protein forms A1530T.
Identifiers: ClinVar variation 3702344 (VCV003702344.2).